The following is an entry in ClinVar:

ClinVar aggregate classification (germline): Uncertain significance. Review status: criteria provided, multiple submitters, no conflicts (2 of 4 stars). 5 submissions from 5 submitters: Uncertain significance (5). Last evaluated 2023-05-01.

Conditions:
Autosomal recessive limb-girdle muscular dystrophy type 2C (LGMDR5). Also called: MUSCULAR DYSTROPHY, LIMB-GIRDLE, AUTOSOMAL RECESSIVE 5; MUSCULAR DYSTROPHY, DUCHENNE-LIKE. Identifiers: Orphanet 353, MedGen C0410173, MONDO:0009677, OMIM 253700. Disease mechanism: Affects gamma-sarcoglycan and also disrupts the integrity of the entire sarcoglycan complex..

Allele frequency attached by ClinVar (database versions not stated): ExAC 0.00003; TOPMed 0.00003; gnomAD exomes 0.00004; gnomAD 0.00006 and 0.00007.
gnomAD v4.1: 72 of 1,613,994 alleles (0.0045%); highest among the groups gnomAD compares: Middle Eastern, 0.017%; no homozygotes.

Submissions (5):

Revvity Omics, Revvity
Classification: Uncertain significance for Autosomal recessive limb-girdle muscular dystrophy type 2C. Last evaluated: 2023-05-01. Review status: criteria provided, single submitter. Criteria: ACMG Guidelines, 2015. Collection method: clinical testing. Allele origin: germline.

Labcorp Genetics (formerly Invitae), Labcorp
Classification: Uncertain significance for Autosomal recessive limb-girdle muscular dystrophy type 2C. Last evaluated: 2022-05-12. Review status: criteria provided, single submitter. Criteria: Invitae Variant Classification Sherloc (09022015). Collection method: clinical testing. Allele origin: germline.
Comment: This sequence change replaces isoleucine, which is neutral and non-polar, with methionine, which is neutral and non-polar, at codon 264 of the SGCG protein (p.Ile264Met). This variant is present in population databases (rs377620885, gnomAD 0.01%). This variant has not been reported in the literature in individuals affected with SGCG-related conditions. ClinVar contains an entry for this variant (Variation ID: 500355). Algorithms developed to predict the effect of missense changes on protein structure and function are either unavailable or do not agree on the potential impact of this missense change (SIFT: "Deleterious"; PolyPhen-2: "Possibly Damaging"; Align-GVGD: "Class C0"). Algorithms developed to predict the effect of sequence changes on RNA splicing suggest that this variant may create or strengthen a splice site. In summary, the available evidence is currently insufficient to determine the role of this variant in disease. Therefore, it has been classified as a Variant of Uncertain Significance.

Fulgent Genetics
Classification: Uncertain significance for Autosomal recessive limb-girdle muscular dystrophy type 2C. Last evaluated: 2022-01-07. Review status: criteria provided, single submitter. Criteria: ACMG Guidelines, 2015. Collection method: clinical testing. Allele origin: unknown.

Eurofins Ntd Llc (ga)
Classification: Uncertain significance. Last evaluated: 2017-02-07. Review status: criteria provided, single submitter. Criteria: EGL Classification Definitions 2015. Collection method: clinical testing. Allele origin: germline. Observed: 1 variant allele, 1 heterozygote.

Breakthrough Genomics
Classification: Uncertain significance. Review status: criteria provided, single submitter. Criteria: ACMG Guidelines, 2015. Collection method: not provided. Allele origin: germline. Inheritance: Autosomal recessive inheritance. Affected: yes.

NM_000231.3(SGCG):c.792C>G (p.Ile264Met)

Gene: SGCG (sarcoglycan gamma; plus strand). Cytogenetic location: 13q12.12.
Variant type: single nucleotide variant.
Coding change: c.792C>G on transcript NM_000231.3 (MANE Select); coding-DNA position 792, C replaced by G.
Protein change: p.Ile264Met; replaces isoleucine 264 with methionine.
Molecular consequence: missense variant.
Genome position (GRCh38, 1-based): chr13:23,324,457, C>G. VCF-style: chr13-23324457-C-G. GRCh37 (hg19) VCF-style: chr13-23898596-C-G.
Other names: c.846C>G, p.Ile282Met (NM_001378244.1); c.792C>G, p.Ile264Met (NM_001378245.1, NM_001378246.1); c.792C>G (NM_000231.2); short protein forms I264M, I282M.
Identifiers: ClinVar variation 500355 (VCV000500355.11), dbSNP rs377620885, ClinGen allele CA6909846.